The following is an entry in ClinVar:

ClinVar aggregate classification (germline): Uncertain significance (1 of 4 stars; one submission).

Allele frequency attached by ClinVar (database versions not stated): gnomAD exomes below 0.00001; ExAC 0.00001; gnomAD 0.00002; TOPMed 0.00005.
gnomAD v4.1: 4 of 1,612,850 alleles (0.00025%); highest among the groups gnomAD compares: African/African-American, 0.004%; no homozygotes.

Submission:

Labcorp Genetics (formerly Invitae), Labcorp
Classification: Uncertain significance. Last evaluated: 2022-02-11. Review status: criteria provided, single submitter. Criteria: Invitae Variant Classification Sherloc (09022015). Collection method: clinical testing. Allele origin: germline.
Comment: In summary, the available evidence is currently insufficient to determine the role of this variant in disease. Therefore, it has been classified as a Variant of Uncertain Significance. Algorithms developed to predict the effect of missense changes on protein structure and function are either unavailable or do not agree on the potential impact of this missense change (SIFT: "Deleterious"; PolyPhen-2: "Benign"; Align-GVGD: "Class C0"). This sequence change replaces serine, which is neutral and polar, with phenylalanine, which is neutral and non-polar, at codon 258 of the CEP135 protein (p.Ser258Phe). This variant is present in population databases (rs775520460, gnomAD 0.003%). This variant has not been reported in the literature in individuals affected with CEP135-related conditions.

NM_025009.5(CEP135):c.773C>T (p.Ser258Phe)

Gene: CEP135 (centrosomal protein 135; plus strand). Cytogenetic location: 4q12.
Variant type: single nucleotide variant.
Coding change: c.773C>T on transcript NM_025009.5 (MANE Select); coding-DNA position 773, C replaced by T.
Protein change: p.Ser258Phe; replaces serine 258 with phenylalanine.
Molecular consequence: missense variant.
Genome position (GRCh38, 1-based): chr4:55,964,347, C>T. VCF-style: chr4-55964347-C-T. GRCh37 (hg19) VCF-style: chr4-56830513-C-T.
Other names: short protein forms S258F.
Identifiers: ClinVar variation 2185217 (VCV002185217.4), dbSNP rs775520460, ClinGen allele CA2927667.